The following is an entry in ClinVar:

ClinVar aggregate classification (germline): Pathogenic/Likely pathogenic. Review status: criteria provided, multiple submitters, no conflicts (2 of 4 stars). 4 submissions from 4 submitters: Pathogenic (2); Likely pathogenic (1). 1 of the submissions does not count toward it. Last evaluated 2025-03-27.

Conditions:
Alkaptonuria (AKU). Also called: HOMOGENTISIC ACID OXIDASE DEFICIENCY; Homogentisic acidura; Alkaptonuric ochronosis; Alcaptonuria. Identifiers: Orphanet 56, MedGen C0002066, MONDO:0008753, OMIM 203500.

Allele frequency attached by ClinVar (database versions not stated): ExAC 0.00004; gnomAD exomes 0.00004; TOPMed 0.00006; gnomAD 0.00007; ESP Exome Variant Server 0.00015.
gnomAD v4.1: 265 of 1,612,010 alleles (0.016%); highest among the groups gnomAD compares: Non-Finnish European, 0.022%; no homozygotes.

Submissions (4):

Myriad Genetics, Inc.
Classification: Pathogenic for Alkaptonuria. Last evaluated: 2025-03-27. Review status: criteria provided, single submitter. Criteria: Myriad Autosomal Dominant, Autosomal Recessive and X-Linked Classification Criteria (2023). Collection method: clinical testing. Allele origin: unknown.
Comment: NM_000187.3(HGD):c.125A>C(E42A) is a missense variant classified as pathogenic in the context of alkaptonuria. E42A has been observed in cases with relevant disease (PMID: 25681086, 9529363, 19862842). Relevant functional assessments of this variant are available in the literature (PMID: 11001939). E42A has been observed in referenced population frequency databases. In summary, NM_000187.3(HGD):c.125A>C(E42A) is a missense variant that has been observed more frequently in cases with the relevant disease than in healthy populations. Please note: this variant was assessed in the context of healthy population screening.

Labcorp Genetics (formerly Invitae), Labcorp
Classification: Pathogenic for Alkaptonuria. Last evaluated: 2024-02-23. Review status: criteria provided, single submitter. Criteria: Invitae Variant Classification Sherloc (09022015). Collection method: clinical testing. Allele origin: germline.
Comment: This sequence change replaces glutamic acid, which is acidic and polar, with alanine, which is neutral and non-polar, at codon 42 of the HGD protein (p.Glu42Ala). This variant is present in population databases (rs373921680, gnomAD 0.009%). This missense change has been observed in individuals with alkaptonuria (PMID: 9529363, 25681086). ClinVar contains an entry for this variant (Variation ID: 1071746). Advanced modeling of protein sequence and biophysical properties (such as structural, functional, and spatial information, amino acid conservation, physicochemical variation, residue mobility, and thermodynamic stability) performed at Invitae indicates that this missense variant is expected to disrupt HGD protein function with a positive predictive value of 80%. For these reasons, this variant has been classified as Pathogenic.

Fulgent Genetics
Classification: Likely pathogenic for Alkaptonuria. Last evaluated: 2022-03-15. Review status: criteria provided, single submitter. Criteria: ACMG Guidelines, 2015. Collection method: clinical testing. Allele origin: unknown.

Department Of Human Genetics, Institute Of Clinical And Translational Research, Biomedical Research Center, Slovak Academy Of Sciences
Classification: Pathogenic for Alkaptonuria. Review status: no assertion criteria provided. Collection method: research. Allele origin: germline. Inheritance: Autosomal recessive inheritance. Affected: yes. Observed: 27 variant alleles. Not counted in ClinVar's aggregate classification.
Comment: The variant was originally described in AKU patient in PMID:9529363. It has been submitted to the HGD gene mutation database (DB-ID: AKU_00008).

Literature cited by the submitters: PubMed 11001939 (cited by Myriad Genetics, Inc.); PubMed 19862842 (cited by Myriad Genetics, Inc.); PubMed 25681086 (cited by Myriad Genetics, Inc. and Labcorp Genetics (formerly Invitae), Labcorp); PubMed 9529363 (cited by 3 submitters).

NM_000187.4(HGD):c.125A>C (p.Glu42Ala)

Gene: HGD (homogentisate 1,2-dioxygenase; minus strand). Cytogenetic location: 3q13.33.
Variant type: single nucleotide variant.
Coding change: c.125A>C on transcript NM_000187.4 (MANE Select); coding-DNA position 125, A replaced by C.
Protein change: p.Glu42Ala; replaces glutamic acid 42 with alanine.
Molecular consequence: missense variant.
Genome position (GRCh38, 1-based): chr3:120,674,952, T>G on the plus strand (A>C on the coding strand, the complement: HGD is on the minus strand). VCF-style: chr3-120674952-T-G. GRCh37 (hg19) VCF-style: chr3-120393799-T-G.
Other names: short protein forms E42A.
Identifiers: ClinVar variation 1071746 (VCV001071746.11), dbSNP rs373921680, ClinGen allele CA2560344.